The following is an entry in ClinVar:

ClinVar aggregate classification (germline): Uncertain significance. Review status: criteria provided, multiple submitters, no conflicts (2 of 4 stars). 2 submissions from 2 submitters: Uncertain significance (2). Last evaluated 2024-10-20.

Conditions:
Hereditary cancer-predisposing syndrome. Also called: Neoplastic Syndromes, Hereditary; Tumor predisposition; Hereditary Cancer Syndrome; Hereditary neoplastic syndrome. Identifiers: Orphanet 140162, MedGen C0027672, MeSH D009386, MONDO:0015356.
Gorlin syndrome. Also called: Nevoid Basal Cell Carcinoma Syndrome; Basal cell nevus syndrome. Identifiers: Orphanet 377, MedGen C0004779, MONDO:0007187.

Allele frequency attached by ClinVar (database versions not stated): gnomAD below 0.00001 and 0.00001; gnomAD exomes below 0.00001.
gnomAD v4.1: 3 of 1,614,046 alleles (0.00019%); highest among the groups gnomAD compares: South Asian, 0.0022%; no homozygotes.

Submissions (2):

Labcorp Genetics (formerly Invitae), Labcorp
Classification: Uncertain significance for Gorlin syndrome. Last evaluated: 2024-10-20. Review status: criteria provided, single submitter. Criteria: Invitae Variant Classification Sherloc (09022015). Collection method: clinical testing. Allele origin: germline.
Comment: This sequence change replaces phenylalanine, which is neutral and non-polar, with leucine, which is neutral and non-polar, at codon 1416 of the PTCH1 protein (p.Phe1416Leu). This variant is not present in population databases (gnomAD no frequency). This variant has not been reported in the literature in individuals affected with PTCH1-related conditions. ClinVar contains an entry for this variant (Variation ID: 524551). Invitae Evidence Modeling of protein sequence and biophysical properties (such as structural, functional, and spatial information, amino acid conservation, physicochemical variation, residue mobility, and thermodynamic stability) indicates that this missense variant is not expected to disrupt PTCH1 protein function with a negative predictive value of 95%. In summary, the available evidence is currently insufficient to determine the role of this variant in disease. Therefore, it has been classified as a Variant of Uncertain Significance.

Ambry Genetics
Classification: Uncertain significance for Hereditary cancer-predisposing syndrome. Last evaluated: 2022-07-29. Review status: criteria provided, single submitter. Criteria: Ambry Variant Classification Scheme 2023. Collection method: clinical testing. Allele origin: germline.
Comment: The p.F1416L variant (also known as c.4246T>C), located in coding exon 23 of the PTCH1 gene, results from a T to C substitution at nucleotide position 4246. The phenylalanine at codon 1416 is replaced by leucine, an amino acid with highly similar properties. This amino acid position is well conserved in available vertebrate species. In addition, this alteration is predicted to be tolerated by in silico analysis. Since supporting evidence is limited at this time, the clinical significance of this alteration remains unclear.

NM_000264.5(PTCH1):c.4246T>C (p.Phe1416Leu)

Gene: PTCH1 (patched 1; minus strand). Cytogenetic location: 9q22.32.
Variant type: single nucleotide variant.
Coding change: c.4246T>C on transcript NM_000264.5 (MANE Select); coding-DNA position 4246, T replaced by C.
Protein change: p.Phe1416Leu; replaces phenylalanine 1416 with leucine.
Molecular consequence: missense variant. On other transcripts: non-coding transcript variant (1).
Genome position (GRCh38, 1-based): chr9:95,447,010, A>G on the plus strand (T>C on the coding strand, the complement: PTCH1 is on the minus strand). VCF-style: chr9-95447010-A-G. GRCh37 (hg19) VCF-style: chr9-98209292-A-G.
Other names: c.4048T>C, p.Phe1350Leu (NM_001083602.3); c.4243T>C, p.Phe1415Leu (NM_001083603.3); c.3793T>C, p.Phe1265Leu (NM_001083604.3, NM_001083605.3, NM_001083606.3 and 1 more transcripts); c.4090T>C, p.Phe1364Leu (NM_001354918.2); short protein forms F1416L, F1350L, F1364L, F1415L, F1265L.
Identifiers: ClinVar variation 524551 (VCV000524551.11), dbSNP rs1554688102, ClinGen allele CA374110036.